The following is an entry in ClinVar:

ClinVar aggregate classification (germline): Benign/Likely benign. Review status: criteria provided, multiple submitters, no conflicts (2 of 4 stars). 10 submissions from 7 submitters: Benign (7); Likely benign (2). 1 of the submissions does not count toward it. Last evaluated 2025-12-18.

Conditions:
CACNA1S-related disorder. Also called: CACNA1S-related condition.
Malignant hyperthermia, susceptibility to, 5 (MHS5). Also called: CACNA1S-Related Malignant Hyperthermia Susceptibility. Identifiers: Orphanet 423, MedGen C1866077, MONDO:0011163, OMIM 601887.
Hypokalemic periodic paralysis, type 1. Also called: Hypokalemic Periodic Paralysis Type 1 (AD); HypoPP. Identifiers: Orphanet 681, MedGen C3714580, MONDO:0042979, OMIM 170400.
Congenital myopathy 18. Also called: Myopathy, congenital, due to dihydropyridine receptor defect; DIHYDROPYRIDINE RECEPTOR CONGENITAL MYOPATHY; DHPR CONGENITAL MYOPATHY. Identifiers: MedGen C5830283, MONDO:0859514, OMIM 620246.
Thyrotoxic periodic paralysis, susceptibility to, 1 (TTPP1). Identifiers: Orphanet 79102, MedGen C2749982, MONDO:0008570, OMIM 188580.

Allele frequency attached by ClinVar (database versions not stated): gnomAD exomes 0.00006 and 0.00016; ExAC 0.00014; 1000 Genomes Project 30x 0.00031; 1000 Genomes Project 0.00040; ESP Exome Variant Server 0.00054; gnomAD 0.00071 and 0.00076; TOPMed 0.00076.
gnomAD v4.1: 193 of 1,614,220 alleles (0.012%); highest among the groups gnomAD compares: African/African-American, 0.22%; no homozygotes.

Submissions (10):

Labcorp Genetics (formerly Invitae), Labcorp
Classification: Benign for Hypokalemic periodic paralysis, type 1; Malignant hyperthermia, susceptibility to, 5. Last evaluated: 2025-12-18. Review status: criteria provided, single submitter. Criteria: Invitae Variant Classification Sherloc (09022015). Collection method: clinical testing. Allele origin: germline.

All of Us Research Program, National Institutes of Health
Classification: Benign for Malignant hyperthermia, susceptibility to, 5. Last evaluated: 2024-02-05. Review status: criteria provided, single submitter. Criteria: ACMG Guidelines, 2015. Collection method: clinical testing. Allele origin: germline. Inheritance: Autosomal dominant inheritance. Observed: 45 variant alleles, 45 heterozygotes.
Comment: This study involves interpretation of variants in research participants for the purpose of population health screening. Participant phenotype was not available at the time of variant classification. Additional details can be found in publication PMID: 35346344, PMCID: PMC8962531

Blueprint Genetics
Classification: Likely benign. Last evaluated: 2023-06-13. Review status: criteria provided, single submitter. Criteria: ACMG Guidelines, 2015. Collection method: clinical testing. Allele origin: germline.

Genome-Nilou Lab
Classification: Benign for Malignant hyperthermia, susceptibility to, 5. Last evaluated: 2023-04-11. Review status: criteria provided, single submitter. Criteria: ACMG Guidelines, 2015. Collection method: clinical testing. Allele origin: germline. Affected: no.

Genome-Nilou Lab
Classification: Benign for Thyrotoxic periodic paralysis, susceptibility to, 1. Last evaluated: 2023-04-11. Review status: criteria provided, single submitter. Criteria: ACMG Guidelines, 2015. Collection method: clinical testing. Allele origin: germline. Affected: no.

Genome-Nilou Lab
Classification: Benign for Congenital myopathy 18. Last evaluated: 2023-04-11. Review status: criteria provided, single submitter. Criteria: ACMG Guidelines, 2015. Collection method: clinical testing. Allele origin: germline. Affected: no.

Genome-Nilou Lab
Classification: Benign for Hypokalemic periodic paralysis, type 1. Last evaluated: 2023-04-11. Review status: criteria provided, single submitter. Criteria: ACMG Guidelines, 2015. Collection method: clinical testing. Allele origin: germline. Affected: no.

Color Diagnostics, LLC DBA Color Health
Classification: Benign for Malignant hyperthermia, susceptibility to, 5. Last evaluated: 2022-10-03. Review status: criteria provided, single submitter. Criteria: ACMG Guidelines, 2015. Collection method: clinical testing. Allele origin: germline.

GeneDx
Classification: Likely benign. Last evaluated: 2017-09-20. Review status: criteria provided, single submitter. Criteria: GeneDx Variant Classification (06012015). Collection method: clinical testing. Allele origin: germline. Affected: yes.
Comment: This variant is considered likely benign or benign based on one or more of the following criteria: it is a conservative change, it occurs at a poorly conserved position in the protein, it is predicted to be benign by multiple in silico algorithms, and/or has population frequency not consistent with disease.

PreventionGenetics, part of Exact Sciences
Classification: Likely benign for CACNA1S-related condition. Last evaluated: 2019-07-01. Review status: no assertion criteria provided. Collection method: clinical testing. Allele origin: germline. Not counted in ClinVar's aggregate classification.
Comment: This variant is classified as likely benign based on ACMG/AMP sequence variant interpretation guidelines (Richards et al. 2015 PMID: 25741868, with internal and published modifications).

NM_000069.3(CACNA1S):c.2601C>T (p.Tyr867=)

Gene: CACNA1S (calcium voltage-gated channel subunit alpha1 S; minus strand). Cytogenetic location: 1q32.1.
Variant type: single nucleotide variant.
Coding change: c.2601C>T on transcript NM_000069.3 (MANE Select); coding-DNA position 2601, C replaced by T.
Protein change: p.Tyr867=; no amino-acid change (tyrosine 867 retained).
Molecular consequence: synonymous variant.
Genome position (GRCh38, 1-based): chr1:201,066,943, G>A on the plus strand (C>T on the coding strand, the complement: CACNA1S is on the minus strand). VCF-style: chr1-201066943-G-A. GRCh37 (hg19) VCF-style: chr1-201036071-G-A.
Identifiers: ClinVar variation 294741 (VCV000294741.21), dbSNP rs34374418, ClinGen allele CA079132.